The following is an entry in ClinVar:

NM_198271.5(LMOD3):c.1081G>A (p.Ala361Thr)

Gene: LMOD3 (leiomodin 3; minus strand). Cytogenetic location: 3p14.1.
Variant type: single nucleotide variant.
Coding change: c.1081G>A on transcript NM_198271.5 (MANE Select); coding-DNA position 1081, G replaced by A.
Protein change: p.Ala361Thr; replaces alanine 361 with threonine.
Molecular consequence: missense variant.
Genome position (GRCh38, 1-based): chr3:69,119,274, C>T on the plus strand (G>A on the coding strand, the complement: LMOD3 is on the minus strand). VCF-style: chr3-69119274-C-T. GRCh37 (hg19) VCF-style: chr3-69168425-C-T.
Other names: c.1081G>A, p.Ala361Thr (NM_001304418.3); short protein forms A361T.
Identifiers: ClinVar variation 963296 (VCV000963296.6), dbSNP rs2092394013, ClinGen allele CA353473113.

ClinVar aggregate classification (germline): Uncertain significance (1 of 4 stars; one submission).

Conditions:
Nemaline myopathy 10 (NEM10). Identifiers: MedGen C4015360, MONDO:0014513, OMIM 616165.

Submission:

Labcorp Genetics (formerly Invitae), Labcorp
Classification: Uncertain significance for Nemaline myopathy 10. Last evaluated: 2022-06-04. Review status: criteria provided, single submitter. Criteria: Invitae Variant Classification Sherloc (09022015). Collection method: clinical testing. Allele origin: germline.
Comment: This sequence change replaces alanine, which is neutral and non-polar, with threonine, which is neutral and polar, at codon 361 of the LMOD3 protein (p.Ala361Thr). This variant is not present in population databases (gnomAD no frequency). This variant has not been reported in the literature in individuals affected with LMOD3-related conditions. ClinVar contains an entry for this variant (Variation ID: 963296). Algorithms developed to predict the effect of missense changes on protein structure and function are either unavailable or do not agree on the potential impact of this missense change (SIFT: "Deleterious"; PolyPhen-2: "Benign"; Align-GVGD: "Class C0"). In summary, the available evidence is currently insufficient to determine the role of this variant in disease. Therefore, it has been classified as a Variant of Uncertain Significance.